The following is an entry in ClinVar:

ClinVar aggregate classification (germline): Uncertain significance (0 of 4 stars; one submission).

Conditions:
ADAMTS9-related disorder. Also called: ADAMTS9-related condition.

Submission:

PreventionGenetics, part of Exact Sciences
Classification: Uncertain significance for ADAMTS9-related condition. Last evaluated: 2024-06-15. Review status: no assertion criteria provided. Collection method: clinical testing. Allele origin: germline.
Comment: The ADAMTS9 c.5281A>C variant is predicted to result in the amino acid substitution p.Lys1761Gln. To our knowledge, this variant has not been reported in the literature or in a large population database, indicating this variant is rare. At this time, the clinical significance of this variant is uncertain due to the absence of conclusive functional and genetic evidence.

NM_182920.2(ADAMTS9):c.5281A>C (p.Lys1761Gln)

Genes: ADAMTS9 (ADAM metallopeptidase with thrombospondin type 1 motif 9; minus strand), LOC126806704 (BRD4-independent group 4 enhancer GRCh37_chr3:64526487-64527686; plus strand). Cytogenetic location: 3p14.1.
Variant type: single nucleotide variant.
Coding change: c.5281A>C on transcript NM_182920.2 (MANE Select); coding-DNA position 5281, A replaced by C.
Protein change: p.Lys1761Gln; replaces lysine 1761 with glutamine.
Molecular consequence: missense variant.
Genome position (GRCh38, 1-based): chr3:64,541,537, T>G on the plus strand (A>C on the coding strand, the complement: ADAMTS9 is on the minus strand). VCF-style: chr3-64541537-T-G. GRCh37 (hg19) VCF-style: chr3-64527213-T-G.
Other names: c.5197A>C, p.Lys1733Gln (NM_001318781.2); short protein forms K1733Q, K1761Q.
Identifiers: ClinVar variation 3345567 (VCV003345567.1).